The following is an entry in ClinVar:

NM_182915.3(STEAP3):c.535G>A (p.Gly179Ser)

Genes: STEAP3 (STEAP3 metalloreductase; plus strand), STEAP3-AS1 (STEAP3 antisense RNA 1; minus strand). Cytogenetic location: 2q14.2.
Variant type: single nucleotide variant.
Coding change: c.535G>A on transcript NM_182915.3 (MANE Select); coding-DNA position 535, G replaced by A.
Protein change: p.Gly179Ser; replaces glycine 179 with serine.
Molecular consequence: missense variant.
Genome position (GRCh38, 1-based): chr2:119,247,691, G>A. VCF-style: chr2-119247691-G-A. GRCh37 (hg19) VCF-style: chr2-120005267-G-A.
Other names: c.505G>A, p.Gly169Ser (NM_001008410.2, NM_018234.3, NM_138637.3); short protein forms G169S, G179S.
Identifiers: ClinVar variation 709721 (VCV000709721.32), dbSNP rs113158407, ClinGen allele CA1846631.
Genomic context (GRCh38, chr2:119,247,691, plus strand): 5'-CTCCTGTGGCCTGTGACGCCGTCTGACTGCCCCACTTTTCTCCCGCAGGTGCCCATCTGC[G>A]GTGACCAGCCAGAAGCCAAGCGTGCTGTCTCGGAGATGGCGCTCGCCATGGGCTTCATGC-3'
Protein context (NP_878919.2, residues 169-189): RDGNRQVPIC[Gly179Ser]DQPEAKRAVS

ClinVar aggregate classification (germline): Benign. Review status: criteria provided, multiple submitters, no conflicts (2 of 4 stars). 3 submissions from 3 submitters: Benign (3). Last evaluated 2026-01-04.

Allele frequency attached by ClinVar (database versions not stated): gnomAD exomes 0.00067 and 0.00190; ExAC 0.00256; 1000 Genomes Project 30x 0.00500; 1000 Genomes Project 0.00559; ESP Exome Variant Server 0.00592; gnomAD 0.00624 and 0.00674; TOPMed 0.00697.
gnomAD v4.1: 1,932 of 1,538,334 alleles (0.13%); highest among the groups gnomAD compares: African/African-American, 2.3%; 20 homozygotes.

Submissions (3):

Labcorp Genetics (formerly Invitae), Labcorp
Classification: Benign. Last evaluated: 2026-01-04. Review status: criteria provided, single submitter. Criteria: Invitae Variant Classification Sherloc (09022015). Collection method: clinical testing. Allele origin: germline.

CeGaT Center for Human Genetics Tuebingen
Classification: Benign. Last evaluated: 2023-11-01. Review status: criteria provided, single submitter. Criteria: CeGaT Center For Human Genetics Tuebingen Variant Classification Criteria Version 2. Collection method: clinical testing. Allele origin: germline. Affected: yes. Observed: 1 variant allele.
Comment: STEAP3: BP4, BS1, BS2

Breakthrough Genomics
Classification: Benign. Review status: criteria provided, single submitter. Criteria: ACMG Guidelines, 2015. Collection method: not provided. Allele origin: germline. Inheritance: Autosomal dominant inheritance. Affected: yes.